The following is an entry in ClinVar:

ClinVar aggregate classification (germline): Benign. Review status: criteria provided, multiple submitters, no conflicts (2 of 4 stars). 2 submissions from 2 submitters: Benign (2). Last evaluated 2018-06-14.

Allele frequency attached by ClinVar (database versions not stated): 1000 Genomes Project 0.11122; 1000 Genomes Project 30x 0.11352; gnomAD 0.12385 and 0.12484; TOPMed 0.12770; gnomAD exomes 0.13907.
gnomAD v4.1: 159,417 of 1,164,972 alleles (14%); highest among the groups gnomAD compares: Admixed American, 23%; 11,914 homozygotes.

Submissions (2):

GeneDx
Classification: Benign. Last evaluated: 2018-06-14. Review status: criteria provided, single submitter. Criteria: GeneDx Variant Classification (06012015). Collection method: clinical testing. Allele origin: germline. Affected: yes.
Comment: This variant is considered likely benign or benign based on one or more of the following criteria: it is a conservative change, it occurs at a poorly conserved position in the protein, it is predicted to be benign by multiple in silico algorithms, and/or has population frequency not consistent with disease.

Breakthrough Genomics
Classification: Benign. Review status: criteria provided, single submitter. Criteria: ACMG Guidelines, 2015. Collection method: not provided. Allele origin: germline. Inheritance: Autosomal recessive inheritance. Affected: yes.

NM_182916.3(TRNT1):c.148+94T>C

Gene: TRNT1 (tRNA nucleotidyl transferase 1; plus strand). Cytogenetic location: 3p26.2.
Variant type: single nucleotide variant.
Coding change: c.148+94T>C on transcript NM_182916.3 (MANE Select); 94 bases into the intron after coding-DNA position 148, T replaced by C.
Molecular consequence: intron variant.
Genome position (GRCh38, 1-based): chr3:3,129,282, T>C. VCF-style: chr3-3129282-T-C. GRCh37 (hg19) VCF-style: chr3-3170966-T-C.
Other names: c.148+94T>C (NM_001367321.1, NM_001367323.1, NM_001367322.1 and 1 more transcripts).
Identifiers: ClinVar variation 676433 (VCV000676433.2), dbSNP rs4684375, ClinGen allele CA11564855.